The following is an entry in ClinVar:

ClinVar aggregate classification (germline): Uncertain significance (1 of 4 stars; one submission).

Conditions:
Larsen-like syndrome, B3GAT3 type. Also called: Multiple joint dislocations, short stature, craniofacial dysmorphism, with or without congenital heart defects; MULTIPLE JOINT DISLOCATIONS, SHORT STATURE, AND CRANIOFACIAL DYSMORPHISM WITH OR WITHOUT CONGENITAL HEART DEFECTS. Identifiers: Orphanet 284139, MedGen CN034159, MONDO:0009511, OMIM 245600.

Submission:

Labcorp Genetics (formerly Invitae), Labcorp
Classification: Uncertain significance for Larsen-like syndrome, B3GAT3 type. Last evaluated: 2022-05-20. Review status: criteria provided, single submitter. Criteria: Invitae Variant Classification Sherloc (09022015). Collection method: clinical testing. Allele origin: germline.
Comment: In summary, the available evidence is currently insufficient to determine the role of this variant in disease. Therefore, it has been classified as a Variant of Uncertain Significance. Algorithms developed to predict the effect of missense changes on protein structure and function (SIFT, PolyPhen-2, Align-GVGD) all suggest that this variant is likely to be tolerated. This variant has not been reported in the literature in individuals affected with B3GAT3-related conditions. This variant is not present in population databases (gnomAD no frequency). This sequence change replaces glycine, which is neutral and non-polar, with arginine, which is basic and polar, at codon 172 of the B3GAT3 protein (p.Gly172Arg).

NM_012200.4(B3GAT3):c.514G>A (p.Gly172Arg)

Gene: B3GAT3 (beta-1,3-glucuronyltransferase 3; minus strand). Cytogenetic location: 11q12.3.
Variant type: single nucleotide variant.
Coding change: c.514G>A on transcript NM_012200.4 (MANE Select); coding-DNA position 514, G replaced by A.
Protein change: p.Gly172Arg; replaces glycine 172 with arginine.
Molecular consequence: missense variant. On other transcripts: non-coding transcript variant (1).
Genome position (GRCh38, 1-based): chr11:62,617,091, C>T on the plus strand (G>A on the coding strand, the complement: B3GAT3 is on the minus strand). VCF-style: chr11-62617091-C-T. GRCh37 (hg19) VCF-style: chr11-62384563-C-T.
Other names: c.493G>A, p.Gly165Arg (NM_001288721.2); c.514G>A, p.Gly172Arg (NM_001288722.2, NM_001288723.2); short protein forms G165R, G172R.
Identifiers: ClinVar variation 1939512 (VCV001939512.5), dbSNP rs2496239061, ClinGen allele CA380976847.